The following is an entry in ClinVar:

ClinVar aggregate classification (germline): Uncertain significance (1 of 4 stars; one submission).

Conditions:
Developmental delay and seizures with or without movement abnormalities. Identifiers: MedGen C4693376, MONDO:0044326, OMIM 617836.

Submission:

Institute of Immunology and Genetics Kaiserslautern
Classification: Uncertain significance for Developmental delay and seizures with or without movement abnormalities. Last evaluated: 2024-01-15. Review status: criteria provided, single submitter. Criteria: ACMG Guidelines, 2015. Collection method: clinical testing. Allele origin: de novo.
Comment: ACMG Criteria: PM2_P, BP4, PS2; Variant was found in a heterozygous state. De novo-status was confirmed via in-house segregation analysis.

NM_205861.3(DHDDS):c.766-3C>T

Gene: DHDDS (dehydrodolichyl diphosphate synthase subunit; plus strand). Cytogenetic location: 1p36.11.
Variant type: single nucleotide variant.
Coding change: c.766-3C>T on transcript NM_205861.3 (MANE Select); 3 bases into the intron before coding-DNA position 766, C replaced by T.
Molecular consequence: intron variant. On other transcripts: nonsense (1).
Genome position (GRCh38, 1-based): chr1:26,468,892, C>T. VCF-style: chr1-26468892-C-T. GRCh37 (hg19) VCF-style: chr1-26795383-C-T.
Other names: c.766C>T, p.Gln256Ter (NM_024887.4); c.487-3C>T (NM_001319959.2); c.664-3C>T (NM_001243564.2); c.649-3C>T (NM_001243565.2); short protein forms Q256*.
Identifiers: ClinVar variation 3366967 (VCV003366967.1).